The following is an entry in ClinVar:

NM_002609.4(PDGFRB):c.1697_1702del (p.Trp566_Val568delinsLeu)

Gene: PDGFRB (platelet derived growth factor receptor beta; minus strand). Cytogenetic location: 5q32.
Variant type: Deletion.
Coding change: c.1697_1702del on transcript NM_002609.4 (MANE Select); coding-DNA positions 1697 to 1702, 6 bases deleted (GGAAGG; older notation c.1697_1702delGGAAGG).
Protein change: p.Trp566_Val568delinsLeu.
Molecular consequence: inframe indel.
Genome position (GRCh38, 1-based): chr5:150,125,550-150,125,555, CCTTCC deleted on the plus strand (GGAAGG on the coding strand, the reverse complement: PDGFRB is on the minus strand). VCF-style (leftmost placement, unchanged base first): chr5-150125549-ACCTTCC-A. GRCh37 (hg19) VCF-style: chr5-149505112-ACCTTCC-A.
Other names: c.1505_1510del, p.Trp502_Val504delinsLeu (NM_001355016.2); c.1214_1219del, p.Trp405_Val407delinsLeu (NM_001355017.2).
Identifiers: ClinVar variation 375555 (VCV000375555.4), dbSNP rs1060499543, ClinGen allele CA16609701.

ClinVar aggregate classification (germline): Pathogenic (0 of 4 stars; one submission).

Conditions:
Infantile myofibromatosis (IMF). Also called: Congenital generalized fibromatosis. Identifiers: Orphanet 2591, MedGen C0432284, MONDO:0016824.

Submission:

Demoulin lab, University of Louvain
Classification: Pathogenic for Infantile myofibromatosis. Last evaluated: 2016-12-01. Review status: no assertion criteria provided. Collection method: research, in vitro. Allele origin: somatic, not applicable. Inheritance: Somatic mutation. Affected: yes. Observed: 1 variant allele, 1 heterozygote. Functional consequence: protein gain of function.
Comment: It strongly activates PDGFRB signaling in cell culture (gain of function). We sequenced PDGFRB in myofibromatosis cases using the Ion Torrent technology. All variants were confirmed by an alternative method (allele specific PCR or Sanger sequencing). Mutants were functionally characterized in experiments based on cell transfection.

Literature cited by the submitters: PubMed 28334876.